The following is an entry in ClinVar:

ClinVar aggregate classification (germline): Uncertain significance (1 of 4 stars; one submission).

gnomAD v4.1: 1 of 1,600,944 alleles (0.000062%); highest among the groups gnomAD compares: Non-Finnish European, 0.000085%; no homozygotes.

Submission:

Ambry Genetics
Classification: Uncertain significance. Last evaluated: 2025-07-16. Review status: criteria provided, single submitter. Criteria: Ambry Variant Classification Scheme 2023. Collection method: clinical testing. Allele origin: germline.
Comment: The p.V1042L variant (also known as c.3124G>T), located in coding exon 12 of the WNK2 gene, results from a G to T substitution at nucleotide position 3124. The valine at codon 1042 is replaced by leucine, an amino acid with highly similar properties. This amino acid position is conserved. In addition, this alteration is predicted to be tolerated by in silico analysis. Based on the available evidence, the clinical significance of this variant remains unclear.

NM_006648.4(WNK2):c.3124G>T (p.Val1042Leu)

Gene: WNK2 (WNK lysine deficient protein kinase 2; plus strand). Cytogenetic location: 9q22.31.
Variant type: single nucleotide variant.
Coding change: c.3124G>T on transcript NM_006648.4 (MANE Select); coding-DNA position 3124, G replaced by T.
Protein change: p.Val1042Leu; replaces valine 1042 with leucine.
Molecular consequence: missense variant.
Genome position (GRCh38, 1-based): chr9:93,261,871, G>T. VCF-style: chr9-93261871-G-T. GRCh37 (hg19) VCF-style: chr9-96024153-G-T.
Other names: c.3124G>T, p.Val1042Leu (NM_001282394.3); short protein forms V1042L.
Identifiers: ClinVar variation 4201631 (VCV004201631.1).